The following is an entry in ClinVar:

NM_005732.4(RAD50):c.3307A>C (p.Lys1103Gln)

Gene: RAD50 (RAD50 double strand break repair protein; plus strand). Cytogenetic location: 5q31.1.
Variant type: single nucleotide variant.
Coding change: c.3307A>C on transcript NM_005732.4 (MANE Select); coding-DNA position 3307, A replaced by C.
Protein change: p.Lys1103Gln; replaces lysine 1103 with glutamine.
Molecular consequence: missense variant.
Genome position (GRCh38, 1-based): chr5:132,618,212, A>C. VCF-style: chr5-132618212-A-C. GRCh37 (hg19) VCF-style: chr5-131953904-A-C.
Other names: c.3307A>C (NM_005732.3); short protein forms K1103Q.
Identifiers: ClinVar variation 1011365 (VCV001011365.10), dbSNP rs749409055, ClinGen allele CA3405553.

ClinVar aggregate classification (germline): Uncertain significance. Review status: criteria provided, multiple submitters, no conflicts (2 of 4 stars). 2 submissions from 2 submitters: Uncertain significance (2). Last evaluated 2025-08-24.

Conditions:
Hereditary cancer-predisposing syndrome. Also called: Tumor predisposition; Hereditary neoplastic syndrome; Neoplastic Syndromes, Hereditary; Hereditary Cancer Syndrome. Identifiers: Orphanet 140162, MedGen C0027672, MeSH D009386, MONDO:0015356.

Allele frequency attached by ClinVar (database versions not stated): gnomAD exomes below 0.00001; ExAC 0.00001.

Submissions (2):

Labcorp Genetics (formerly Invitae), Labcorp
Classification: Uncertain significance for Hereditary cancer-predisposing syndrome. Last evaluated: 2025-08-24. Review status: criteria provided, single submitter. Criteria: Invitae Variant Classification Sherloc (09022015). Collection method: clinical testing. Allele origin: germline.
Comment: This sequence change replaces lysine, which is basic and polar, with glutamine, which is neutral and polar, at codon 1103 of the RAD50 protein (p.Lys1103Gln). This variant is present in population databases (rs749409055, gnomAD 0.003%). This variant has not been reported in the literature in individuals affected with RAD50-related conditions. ClinVar contains an entry for this variant (Variation ID: 1011365). Invitae Evidence Modeling of protein sequence and biophysical properties (such as structural, functional, and spatial information, amino acid conservation, physicochemical variation, residue mobility, and thermodynamic stability) indicates that this missense variant is not expected to disrupt RAD50 protein function with a negative predictive value of 80%. In summary, the available evidence is currently insufficient to determine the role of this variant in disease. Therefore, it has been classified as a Variant of Uncertain Significance.

Ambry Genetics
Classification: Uncertain significance for Hereditary cancer-predisposing syndrome. Last evaluated: 2025-07-22. Review status: criteria provided, single submitter. Criteria: Ambry Variant Classification Scheme 2023. Collection method: clinical testing. Allele origin: germline.
Comment: The p.K1103Q variant (also known as c.3307A>C), located in coding exon 21 of the RAD50 gene, results from an A to C substitution at nucleotide position 3307. The lysine at codon 1103 is replaced by glutamine, an amino acid with similar properties. This amino acid position is conserved. In addition, this alteration is predicted to be tolerated by in silico analysis. Based on the available evidence, the clinical significance of this variant remains unclear.